The following is an entry in ClinVar:

ClinVar aggregate classification (germline): Conflicting classifications of pathogenicity. Review status: criteria provided, conflicting classifications (1 of 4 stars). 3 submissions from 3 submitters: Uncertain significance (2); Likely benign (1). Last evaluated 2025-06-14.

Conditions:
Hereditary nonpolyposis colorectal neoplasms. Identifiers: MedGen C0009405, MeSH D003123.
Hereditary cancer-predisposing syndrome. Also called: Neoplastic Syndromes, Hereditary; Tumor predisposition; Hereditary Cancer Syndrome; Hereditary neoplastic syndrome. Identifiers: Orphanet 140162, MedGen C0027672, MeSH D009386, MONDO:0015356.
Lynch syndrome 5 (LYNCH5). Also called: Colorectal cancer, hereditary nonpolyposis, type 5; Hereditary non-polyposis colorectal cancer, type 5. Identifiers: Orphanet 144, MedGen C1833477, MONDO:0013710, OMIM 614350. Disease mechanism: loss of function.

Allele frequency attached by ClinVar (database versions not stated): gnomAD exomes below 0.00001 and 0.00001; TOPMed below 0.00001; ExAC 0.00001.
gnomAD v4.1: 13 of 1,613,682 alleles (0.00081%); highest among the groups gnomAD compares: Non-Finnish European, 0.001%; no homozygotes.

Submissions (3):

Ambry Genetics
Classification: Uncertain significance for Hereditary cancer-predisposing syndrome. Last evaluated: 2025-06-14. Review status: criteria provided, single submitter. Criteria: Ambry Variant Classification Scheme 2023. Collection method: clinical testing. Allele origin: germline.
Comment: The p.I962M variant (also known as c.2886T>G), located in coding exon 4 of the MSH6 gene, results from a T to G substitution at nucleotide position 2886. The isoleucine at codon 962 is replaced by methionine, an amino acid with highly similar properties. This amino acid position is not well conserved in available vertebrate species. In addition, this alteration is predicted to be tolerated by in silico analysis. Since supporting evidence is limited at this time, the clinical significance of this alteration remains unclear.

Molecular Pathology, Peter Maccallum Cancer Centre
Classification: Uncertain significance for Lynch syndrome 5. Last evaluated: 2025-04-16. Review status: criteria provided, single submitter. Criteria: ACMG Guidelines, 2015. Collection method: clinical testing. Allele origin: germline. Inheritance: Autosomal dominant inheritance.

Labcorp Genetics (formerly Invitae), Labcorp
Classification: Likely benign for Hereditary nonpolyposis colorectal neoplasms. Last evaluated: 2025-01-22. Review status: criteria provided, single submitter. Criteria: Invitae Variant Classification Sherloc (09022015). Collection method: clinical testing. Allele origin: germline.

NM_000179.3(MSH6):c.2886T>G (p.Ile962Met)

Gene: MSH6 (mutS homolog 6; plus strand). Cytogenetic location: 2p16.3.
Variant type: single nucleotide variant.
Coding change: c.2886T>G on transcript NM_000179.3 (MANE Select); coding-DNA position 2886, T replaced by G.
Protein change: p.Ile962Met; replaces isoleucine 962 with methionine.
Molecular consequence: missense variant.
Genome position (GRCh38, 1-based): chr2:47,800,869, T>G. VCF-style: chr2-47800869-T-G. GRCh37 (hg19) VCF-style: chr2-48028008-T-G.
Other names: c.2496T>G, p.Ile832Met (NM_001281492.2); c.1980T>G, p.Ile660Met (NM_001281493.2, NM_001281494.2); short protein forms I962M, I660M, I832M.
Identifiers: ClinVar variation 483847 (VCV000483847.17), dbSNP rs747856982, ClinGen allele CA069765.